The following is an entry in ClinVar:

NM_203447.4(DOCK8):c.605G>A (p.Arg202His)

Gene: DOCK8 (dedicator of cytokinesis 8; plus strand). Cytogenetic location: 9p24.3.
Variant type: single nucleotide variant.
Coding change: c.605G>A on transcript NM_203447.4 (MANE Select); coding-DNA position 605, G replaced by A.
Protein change: p.Arg202His; replaces arginine 202 with histidine.
Molecular consequence: missense variant.
Genome position (GRCh38, 1-based): chr9:312,030, G>A. VCF-style: chr9-312030-G-A. GRCh37 (hg19) VCF-style: chr9-312030-G-A.
Other names: c.401G>A, p.Arg134His (NM_001190458.2, NM_001193536.2); short protein forms R202H, R134H.
Identifiers: ClinVar variation 536603 (VCV000536603.12), dbSNP rs374288188, ClinGen allele CA4957334.

ClinVar aggregate classification (germline): Uncertain significance. Review status: criteria provided, multiple submitters, no conflicts (2 of 4 stars). 4 submissions from 4 submitters: Uncertain significance (4). Last evaluated 2024-12-10.

Conditions:
Inborn genetic diseases. Identifiers: MedGen C0950123, MeSH D030342.

Allele frequency attached by ClinVar (database versions not stated): ExAC 0.00007; gnomAD 0.00007 and 0.00008; gnomAD exomes 0.00007; ESP Exome Variant Server 0.00008.

Submissions (4):

Labcorp Genetics (formerly Invitae), Labcorp
Classification: Uncertain significance for Combined immunodeficiency due to DOCK8 deficiency. Last evaluated: 2024-12-10. Review status: criteria provided, single submitter. Criteria: Invitae Variant Classification Sherloc (09022015). Collection method: clinical testing. Allele origin: germline.
Comment: This sequence change replaces arginine, which is basic and polar, with histidine, which is basic and polar, at codon 202 of the DOCK8 protein (p.Arg202His). This variant is present in population databases (rs374288188, gnomAD 0.01%), including at least one homozygous and/or hemizygous individual. This variant has not been reported in the literature in individuals affected with DOCK8-related conditions. ClinVar contains an entry for this variant (Variation ID: 536603). Invitae Evidence Modeling of protein sequence and biophysical properties (such as structural, functional, and spatial information, amino acid conservation, physicochemical variation, residue mobility, and thermodynamic stability) indicates that this missense variant is not expected to disrupt DOCK8 protein function with a negative predictive value of 80%. In summary, the available evidence is currently insufficient to determine the role of this variant in disease. Therefore, it has been classified as a Variant of Uncertain Significance.

Blueprint Genetics
Classification: Uncertain significance. Last evaluated: 2024-11-19. Review status: criteria provided, single submitter. Criteria: ACMG Guidelines, 2015. Collection method: clinical testing. Allele origin: germline.

Ambry Genetics
Classification: Uncertain significance for Inborn genetic diseases. Last evaluated: 2023-05-23. Review status: criteria provided, single submitter. Criteria: Ambry Variant Classification Scheme 2023. Collection method: clinical testing. Allele origin: germline.

Breakthrough Genomics
Classification: Uncertain significance. Review status: criteria provided, single submitter. Criteria: ACMG Guidelines, 2015. Collection method: not provided. Allele origin: germline. Inheritance: Autosomal recessive inheritance. Affected: yes.